The following is an entry in ClinVar:

NM_025114.4(CEP290):c.2969del (p.Thr990fs)

Gene: CEP290 (centrosomal protein 290; minus strand). Cytogenetic location: 12q21.32.
Variant type: Deletion.
Coding change: c.2969del on transcript NM_025114.4 (MANE Select); coding-DNA position 2969, one base deleted (C; older notation c.2969delC).
Protein change: p.Thr990fs; shifts the reading frame from threonine 990.
Molecular consequence: frameshift variant.
Genome position (GRCh38, 1-based): chr12:88,102,860, G deleted on the plus strand (C on the coding strand, the reverse complement: CEP290 is on the minus strand). VCF-style (leftmost placement, unchanged base first): chr12-88102859-TG-T. GRCh37 (hg19) VCF-style: chr12-88496636-TG-T.
Other names: c.2969delC (NM_025114.3); short protein forms T990fs.
Identifiers: ClinVar variation 419224 (VCV000419224.2), dbSNP rs1064793733, ClinGen allele CA16619602.

ClinVar aggregate classification (germline): Pathogenic (1 of 4 stars; one submission).

Submission:

GeneDx
Classification: Pathogenic. Last evaluated: 2015-07-18. Review status: criteria provided, single submitter. Criteria: GeneDx Variant Classification (06012015). Collection method: clinical testing. Allele origin: germline. Affected: yes.
Comment: The c.2969delC deletion in the CEP290 gene has not been reported previously as a pathogenic variant nor as a benign polymorphism, to our knowledge. The c.2969delC deletion is predictedto cause loss of normal protein function either through protein truncation or nonsense-mediated mRNAdecay. Protein truncating variants downstream of this deletion have been reported in the Human GeneMutation Database in association with CEP290-related disorders (Stenson et al., 2014), supporting thepathogenicity of more upstream truncating variants. The c.2969delC variant was not observed inapproximately 5900 individuals of European and African American ancestry in the NHLBI ExomeSequencing Project, indicating it is not a common benign variant in these populations. We interpretc.2969delC as a pathogenic variant.